The following is an entry in ClinVar:

ClinVar aggregate classification (germline): Uncertain significance. Review status: criteria provided, multiple submitters, no conflicts (2 of 4 stars). 2 submissions from 2 submitters: Uncertain significance (2). Last evaluated 2025-12-11.

Conditions:
Inborn genetic diseases. Identifiers: MedGen C0950123, MeSH D030342.

Allele frequency attached by ClinVar (database versions not stated): TOPMed 0.00001; gnomAD 0.00002; gnomAD exomes 0.00003; ExAC 0.00006.
gnomAD v4.1: 52 of 1,606,980 alleles (0.0032%); highest among the groups gnomAD compares: Non-Finnish European, 0.0039%; no homozygotes.

Submissions (2):

Ambry Genetics
Classification: Uncertain significance for Inborn genetic diseases. Last evaluated: 2025-12-11. Review status: criteria provided, single submitter. Criteria: Ambry Variant Classification Scheme 2023. Collection method: clinical testing. Allele origin: germline.

Labcorp Genetics (formerly Invitae), Labcorp
Classification: Uncertain significance. Last evaluated: 2025-08-22. Review status: criteria provided, single submitter. Criteria: Invitae Variant Classification Sherloc (09022015). Collection method: clinical testing. Allele origin: germline.
Comment: This sequence change replaces methionine, which is neutral and non-polar, with threonine, which is neutral and polar, at codon 669 of the LEMD3 protein (p.Met669Thr). This variant is present in population databases (rs772706117, gnomAD 0.009%). This variant has not been reported in the literature in individuals affected with LEMD3-related conditions. ClinVar contains an entry for this variant (Variation ID: 2414412). Invitae Evidence Modeling of protein sequence and biophysical properties (such as structural, functional, and spatial information, amino acid conservation, physicochemical variation, residue mobility, and thermodynamic stability) indicates that this missense variant is expected to disrupt LEMD3 protein function with a positive predictive value of 80%. In summary, the available evidence is currently insufficient to determine the role of this variant in disease. Therefore, it has been classified as a Variant of Uncertain Significance.

NM_014319.5(LEMD3):c.2006T>C (p.Met669Thr)

Gene: LEMD3 (LEM domain containing 3; plus strand). Cytogenetic location: 12q14.3.
Variant type: single nucleotide variant.
Coding change: c.2006T>C on transcript NM_014319.5 (MANE Select); coding-DNA position 2006, T replaced by C.
Protein change: p.Met669Thr; replaces methionine 669 with threonine.
Molecular consequence: missense variant.
Genome position (GRCh38, 1-based): chr12:65,240,013, T>C. VCF-style: chr12-65240013-T-C. GRCh37 (hg19) VCF-style: chr12-65633793-T-C.
Other names: c.2006T>C (NM_014319.4); c.2003T>C, p.Met668Thr (NM_001167614.2); short protein forms M668T, M669T.
Identifiers: ClinVar variation 2414412 (VCV002414412.7), dbSNP rs772706117, ClinGen allele CA6671090.
Genomic context (GRCh38, chr12:65,240,013, plus strand): 5'-TGCGTTACATGAAATATCGATGGACAAAAGAAGAGGAGGAAACAAGGCAGATGTATGATA[T>C]GGTGGTAAAGATTATAGGTATGATATTTGTAAGAATCTCAACTATTTCTAGAAGAGTCAT-3'
Protein context (NP_055134.2, residues 659-679): EEEETRQMYD[Met669Thr]VVKIIDVLRS